The following is an entry in ClinVar:

ClinVar aggregate classification (germline): Uncertain significance. Review status: criteria provided, multiple submitters, no conflicts (2 of 4 stars). 2 submissions from 2 submitters: Uncertain significance (2). Last evaluated 2025-09-27.

Conditions:
Emery-Dreifuss muscular dystrophy 5, autosomal dominant (EDMD5). Also called: EMERY-DREIFUSS MUSCULAR DYSTROPHY 5. Identifiers: Orphanet 261, MedGen C2751805, MONDO:0013072, OMIM 612999.

Allele frequency attached by ClinVar (database versions not stated): gnomAD exomes 0.00001 and 0.00002; ExAC 0.00002; TOPMed 0.00006; gnomAD 0.00007 and 0.00009; ESP Exome Variant Server 0.00008.
gnomAD v4.1: 25 of 1,613,790 alleles (0.0015%); highest among the groups gnomAD compares: Middle Eastern, 0.016%; no homozygotes.

Submissions (2):

Labcorp Genetics (formerly Invitae), Labcorp
Classification: Uncertain significance for Emery-Dreifuss muscular dystrophy 5, autosomal dominant. Last evaluated: 2025-09-27. Review status: criteria provided, single submitter. Criteria: Invitae Variant Classification Sherloc (09022015). Collection method: clinical testing. Allele origin: germline.
Comment: This sequence change replaces arginine, which is basic and polar, with tryptophan, which is neutral and slightly polar, at codon 354 of the SYNE2 protein (p.Arg354Trp). This variant is present in population databases (rs374073818, gnomAD 0.02%). This variant has not been reported in the literature in individuals affected with SYNE2-related conditions. ClinVar contains an entry for this variant (Variation ID: 470914). An algorithm developed to predict the effect of missense changes on protein structure and function outputs the following: PolyPhen-2: "Benign". The tryptophan amino acid residue is found in multiple mammalian species, which suggests that this missense change does not adversely affect protein function. In summary, the available evidence is currently insufficient to determine the role of this variant in disease. Therefore, it has been classified as a Variant of Uncertain Significance.

Revvity Omics, Revvity
Classification: Uncertain significance for Emery-Dreifuss muscular dystrophy 5, autosomal dominant. Last evaluated: 2019-03-28. Review status: criteria provided, single submitter. Criteria: ACMG Guidelines, 2015. Collection method: clinical testing. Allele origin: germline.

NM_182914.3(SYNE2):c.1060C>T (p.Arg354Trp)

Gene: SYNE2 (spectrin repeat containing nuclear envelope protein 2; plus strand). Cytogenetic location: 14q23.2.
Variant type: single nucleotide variant.
Coding change: c.1060C>T on transcript NM_182914.3 (MANE Select); coding-DNA position 1060, C replaced by T.
Protein change: p.Arg354Trp; replaces arginine 354 with tryptophan.
Molecular consequence: missense variant.
Genome position (GRCh38, 1-based): chr14:63,967,778, C>T. VCF-style: chr14-63967778-C-T. GRCh37 (hg19) VCF-style: chr14-64434496-C-T.
Other names: c.1060C>T, p.Arg354Trp (NM_015180.6); short protein forms R354W.
Identifiers: ClinVar variation 470914 (VCV000470914.9), dbSNP rs374073818, ClinGen allele CA7219314.